The following is an entry in ClinVar:

NM_000256.3(MYBPC3):c.1791G>A (p.Arg597=)

Gene: MYBPC3 (myosin binding protein C3; minus strand). Cytogenetic location: 11p11.2.
Variant type: single nucleotide variant.
Coding change: c.1791G>A on transcript NM_000256.3 (MANE Select); coding-DNA position 1791, G replaced by A.
Protein change: p.Arg597=; no amino-acid change (arginine 597 retained).
Molecular consequence: synonymous variant.
Genome position (GRCh38, 1-based): chr11:47,341,244, C>T on the plus strand (G>A on the coding strand, the complement: MYBPC3 is on the minus strand). VCF-style: chr11-47341244-C-T. GRCh37 (hg19) VCF-style: chr11-47362795-C-T.
Identifiers: ClinVar variation 1780198 (VCV001780198.3), dbSNP rs772488845, ClinGen allele CA474218329.
Genomic context (GRCh38, chr11:47,341,244, plus strand): 5'-CACAAAGCTGTAGTCAGCCTCGTCGGCAGGTGTGACGTCGTCAATGGTCAGTTTGTGGAC[C>T]CTGCAGGGGAGCAGTGGCTCAGGGGACCCCACTGGGCCACACACCCCTGGCCTTGCCAGA-3'
Protein context (NP_000247.2, residues 587-607): DSRIKVSHIG[Arg597=]VHKLTIDDVT

ClinVar aggregate classification (germline): Conflicting classifications of pathogenicity. Review status: criteria provided, conflicting classifications (1 of 4 stars). 2 submissions from 2 submitters: Uncertain significance (1); Likely benign (1). Last evaluated 2025-09-10.

Conditions:
Hypertrophic cardiomyopathy. Also called: HYPERTROPHIC MYOCARDIOPATHY. Identifiers: Orphanet 217569, MedGen C0007194, MeSH D002312, MONDO:0005045, HP:0001639.
Cardiovascular phenotype. Identifiers: MedGen CN230736.

Submissions (2):

Labcorp Genetics (formerly Invitae), Labcorp
Classification: Uncertain significance for Hypertrophic cardiomyopathy. Last evaluated: 2025-09-10. Review status: criteria provided, single submitter. Criteria: Invitae Variant Classification Sherloc (09022015). Collection method: clinical testing. Allele origin: germline.
Comment: This sequence change affects codon 597 of the MYBPC3 mRNA. It is a 'silent' change, meaning that it does not change the encoded amino acid sequence of the MYBPC3 protein. It affects a nucleotide within the consensus splice site. This variant is not present in population databases (gnomAD no frequency). This variant has not been reported in the literature in individuals affected with MYBPC3-related conditions. ClinVar contains an entry for this variant (Variation ID: 1780198). Algorithms developed to predict the effect of sequence changes on RNA splicing suggest that this variant is not likely to affect RNA splicing. In summary, the available evidence is currently insufficient to determine the role of this variant in disease. Therefore, it has been classified as a Variant of Uncertain Significance.

Ambry Genetics
Classification: Likely benign for Cardiovascular phenotype. Last evaluated: 2022-03-03. Review status: criteria provided, single submitter. Criteria: Ambry Variant Classification Scheme 2023. Collection method: clinical testing. Allele origin: germline.